The following is an entry in ClinVar:

ClinVar aggregate classification (germline): Uncertain significance (1 of 4 stars; one submission).

Conditions:
Inborn genetic diseases. Identifiers: MedGen C0950123, MeSH D030342.

Allele frequency attached by ClinVar (database versions not stated): TOPMed below 0.00001; gnomAD 0.00001.
gnomAD v4.1: 13 of 1,613,944 alleles (0.00081%); highest among the groups gnomAD compares: African/African-American, 0.0027%; no homozygotes.

Submission:

Ambry Genetics
Classification: Uncertain significance for Inborn genetic diseases. Last evaluated: 2023-12-19. Review status: criteria provided, single submitter. Criteria: Ambry Variant Classification Scheme 2023. Collection method: clinical testing. Allele origin: germline.
Comment: The p.A328T variant (also known as c.982G>A), located in coding exon 9 of the RAD51 gene, results from a G to A substitution at nucleotide position 982. The alanine at codon 328 is replaced by threonine, an amino acid with similar properties. This amino acid position is conserved. In addition, the in silico prediction for this alteration is inconclusive. Since supporting evidence is limited at this time, the clinical significance of this alteration remains unclear.

NM_002875.5(RAD51):c.982G>A (p.Ala328Thr)

Gene: RAD51 (RAD51 recombinase; plus strand). Cytogenetic location: 15q15.1.
Variant type: single nucleotide variant.
Coding change: c.982G>A on transcript NM_002875.5 (MANE Select); coding-DNA position 982, G replaced by A.
Protein change: p.Ala328Thr; replaces alanine 328 with threonine.
Molecular consequence: missense variant. On other transcripts: 3 prime UTR variant (1).
Genome position (GRCh38, 1-based): chr15:40,731,140, G>A. VCF-style: chr15-40731140-G-A. GRCh37 (hg19) VCF-style: chr15-41023338-G-A.
Other names: c.985G>A, p.Ala329Thr (NM_001164269.2, NM_133487.4); c.*17G>A (NM_001164270.2); short protein forms A329T, A328T.
Identifiers: ClinVar variation 1768340 (VCV001768340.2), dbSNP rs367685211, ClinGen allele CA7484161.